The following is an entry in ClinVar:

ClinVar aggregate classification (germline): Uncertain significance. Review status: criteria provided, multiple submitters, no conflicts (2 of 4 stars). 2 submissions from 2 submitters: Uncertain significance (2). Last evaluated 2024-08-23.

Conditions:
Hypertrophic cardiomyopathy. Also called: HYPERTROPHIC MYOCARDIOPATHY. Identifiers: Orphanet 217569, MedGen C0007194, MeSH D002312, MONDO:0005045, HP:0001639.

Submissions (2):

All of Us Research Program, National Institutes of Health
Classification: Uncertain significance for Hypertrophic cardiomyopathy. Last evaluated: 2024-08-23. Review status: criteria provided, single submitter. Criteria: ACMG Guidelines, 2015. Collection method: clinical testing. Allele origin: germline. Inheritance: Autosomal dominant inheritance. Observed: 1 variant allele, 1 heterozygote.
Comment: This missense variant replaces arginine with glycine at codon 835 of the MYBPC3 protein. Computational prediction tools indicate that this variant has a neutral impact on protein structure and function. To our knowledge, functional studies have not been reported for this variant. This variant has not been reported in individuals affected with MYBPC3-related disorders in the literature. This variant has not been identified in the general population by the Genome Aggregation Database (gnomAD). The available evidence is insufficient to determine the role of this variant in disease conclusively. Therefore, this variant is classified as a Variant of Uncertain Significance.

This study involves interpretation of variants in research participants for the purpose of population health screening. Participant phenotype was not available at the time of variant classification. Additional details can be found in publication PMID: 35346344, PMCID: PMC8962531

Labcorp Genetics (formerly Invitae), Labcorp
Classification: Uncertain significance for Hypertrophic cardiomyopathy. Last evaluated: 2019-06-29. Review status: criteria provided, single submitter. Criteria: Invitae Variant Classification Sherloc (09022015). Collection method: clinical testing. Allele origin: germline.
Comment: This sequence change replaces arginine with glycine at codon 835 of the MYBPC3 protein (p.Arg835Gly). The arginine residue is highly conserved and there is a moderate physicochemical difference between arginine and glycine. This variant is not present in population databases (ExAC no frequency). This variant has not been reported in the literature in individuals with MYBPC3-related conditions. Algorithms developed to predict the effect of missense changes on protein structure and function (SIFT, PolyPhen-2, Align-GVGD) all suggest that this variant is likely to be disruptive, but these predictions have not been confirmed by published functional studies and their clinical significance is uncertain. In summary, the available evidence is currently insufficient to determine the role of this variant in disease. Therefore, it has been classified as a Variant of Uncertain Significance.

NM_000256.3(MYBPC3):c.2503C>G (p.Arg835Gly)

Gene: MYBPC3 (myosin binding protein C3; minus strand). Cytogenetic location: 11p11.2.
Variant type: single nucleotide variant.
Coding change: c.2503C>G on transcript NM_000256.3 (MANE Select); coding-DNA position 2503, C replaced by G.
Protein change: p.Arg835Gly; replaces arginine 835 with glycine.
Molecular consequence: missense variant.
Genome position (GRCh38, 1-based): chr11:47,337,490, G>C on the plus strand (C>G on the coding strand, the complement: MYBPC3 is on the minus strand). VCF-style: chr11-47337490-G-C. GRCh37 (hg19) VCF-style: chr11-47359041-G-C.
Other names: short protein forms R835G.
Identifiers: ClinVar variation 941003 (VCV000941003.10), dbSNP rs765356720, ClinGen allele CA380318233.